The following is an entry in ClinVar:

ClinVar aggregate classification (germline): Uncertain significance (1 of 4 stars; one submission).

Allele frequency attached by ClinVar (database versions not stated): gnomAD exomes 0.00001; TOPMed 0.00002; ExAC 0.00005.
gnomAD v4.1: 12 of 1,613,864 alleles (0.00074%); highest among the groups gnomAD compares: Admixed American, 0.017%; no homozygotes.

Submission:

Labcorp Genetics (formerly Invitae), Labcorp
Classification: Uncertain significance. Last evaluated: 2026-01-22. Review status: criteria provided, single submitter. Criteria: Invitae Variant Classification Sherloc (09022015). Collection method: clinical testing. Allele origin: germline.
Comment: This sequence change replaces aspartic acid, which is acidic and polar, with glycine, which is neutral and non-polar, at codon 821 of the ASXL1 protein (p.Asp821Gly). This variant is present in population databases (rs780896078, gnomAD 0.03%). This variant has not been reported in the literature in individuals affected with ASXL1-related conditions. ClinVar contains an entry for this variant (Variation ID: 2085993). An algorithm developed to predict the effect of missense changes on protein structure and function outputs the following: PolyPhen-2: "Benign". The glycine amino acid residue is found in multiple mammalian species, which suggests that this missense change does not adversely affect protein function. In summary, the available evidence is currently insufficient to determine the role of this variant in disease. Therefore, it has been classified as a Variant of Uncertain Significance.

NM_015338.6(ASXL1):c.2462A>G (p.Asp821Gly)

Gene: ASXL1 (ASXL transcriptional regulator 1; plus strand). Cytogenetic location: 20q11.21.
Variant type: single nucleotide variant.
Coding change: c.2462A>G on transcript NM_015338.6 (MANE Select); coding-DNA position 2462, A replaced by G.
Protein change: p.Asp821Gly; replaces aspartic acid 821 with glycine.
Molecular consequence: missense variant.
Genome position (GRCh38, 1-based): chr20:32,435,174, A>G. VCF-style: chr20-32435174-A-G. GRCh37 (hg19) VCF-style: chr20-31022977-A-G.
Other names: c.2279A>G, p.Asp760Gly (NM_001363734.1); short protein forms D760G, D821G.
Identifiers: ClinVar variation 2085993 (VCV002085993.4), dbSNP rs780896078, ClinGen allele CA9808623.